The following is an entry in ClinVar:

ClinVar aggregate classification (germline): Uncertain significance (1 of 4 stars; one submission).

Submission:

GeneDx
Classification: Uncertain significance. Last evaluated: 2016-05-31. Review status: criteria provided, single submitter. Criteria: GeneDx Variant Classification (06012015). Collection method: clinical testing. Allele origin: germline. Affected: yes.
Comment: A variant of uncertain significance has been identified in the ZEB2 gene. The K289E variant has not been published as a pathogenic variant, nor has it been reported as a benign variant to our knowledge. It was not observed in approximately 6,500 individuals of European and African American ancestry in the NHLBI Exome Sequencing Project, indicating it is not a common benign variant in these populations. The K289E variant is a non-conservative amino acid substitution, which is likely to impact secondary protein structure as these residues differ in polarity, charge, size and/or other properties. This substitution occurs at a position that is conserved across species. However, in silico analysis is inconsistent in its predictions as to whether or not the variant is damaging to the protein structure/function. Additionally, missense variants in the ZEB2 gene are rare and have been identified in less than 2% of patients with Mowat- Wilson syndrome (Garavelli et al., 2009). Therefore, based on the currently available information, it is unclear whether this variant is a pathogenic variant or a rare benign variant.

NM_014795.4(ZEB2):c.865A>G (p.Lys289Glu)

Gene: ZEB2 (zinc finger E-box binding homeobox 2; minus strand). Cytogenetic location: 2q22.3.
Variant type: single nucleotide variant.
Coding change: c.865A>G on transcript NM_014795.4 (MANE Select); coding-DNA position 865, A replaced by G.
Protein change: p.Lys289Glu; replaces lysine 289 with glutamic acid.
Molecular consequence: missense variant.
Genome position (GRCh38, 1-based): chr2:144,401,250, T>C on the plus strand (A>G on the coding strand, the complement: ZEB2 is on the minus strand). VCF-style: chr2-144401250-T-C. GRCh37 (hg19) VCF-style: chr2-145158817-T-C.
Other names: c.793A>G, p.Lys265Glu (NM_001171653.2); short protein forms K289E, K265E.
Identifiers: ClinVar variation 418569 (VCV000418569.2), dbSNP rs1064793305, ClinGen allele CA16617231.